The following is an entry in ClinVar:

NM_002496.4(NDUFS8):c.159C>A (p.Asp53Glu)

Gene: NDUFS8 (NADH:ubiquinone oxidoreductase core subunit S8; plus strand). Cytogenetic location: 11q13.2.
Variant type: single nucleotide variant.
Coding change: c.159C>A on transcript NM_002496.4 (MANE Select); coding-DNA position 159, C replaced by A.
Protein change: p.Asp53Glu; replaces aspartic acid 53 with glutamic acid.
Molecular consequence: missense variant.
Genome position (GRCh38, 1-based): chr11:68,032,972, C>A. VCF-style: chr11-68032972-C-A. GRCh37 (hg19) VCF-style: chr11-67800439-C-A.
Other names: short protein forms D53E.
Identifiers: ClinVar variation 1897207 (VCV001897207.5), dbSNP rs969886129, ClinGen allele CA224241310.

ClinVar aggregate classification (germline): Uncertain significance. Review status: criteria provided, multiple submitters, no conflicts (2 of 4 stars). 2 submissions from 2 submitters: Uncertain significance (2). Last evaluated 2026-08-06.

Conditions:
Mitochondrial complex I deficiency, nuclear type 2. Also called: Mitochondrial complex 1 deficiency, nuclear type 2. Identifiers: MedGen C4748737, MONDO:0032606, OMIM 618222.

Allele frequency attached by ClinVar (database versions not stated): gnomAD exomes below 0.00001; TOPMed 0.00001.
gnomAD v4.1: 3 of 1,613,874 alleles (0.00019%); highest among the groups gnomAD compares: Middle Eastern, 0.017%; no homozygotes.

Submissions (2):

OLLIN Analises Genomicas, OLLIN
Classification: Uncertain significance for Mitochondrial complex I deficiency, nuclear type 2. Last evaluated: 2026-08-06. Review status: criteria provided, single submitter. Criteria: ACMG Guidelines 2015 PMID 25741868. Collection method: clinical testing. Allele origin: germline. Inheritance: Autosomal recessive inheritance.
Comment: This missense variant, located in exon 4 (of 7), has been reported in ClinVar (accession VCV001897207.4) and in gnomAD with an allele frequency of 0.00019%. However, to our knowledge, it has not been reported in the scientific literature. In silico analysis is inconclusive regarding the impact of this variant. According to the currently available evidence, this variant has been classified as uncertain significance (PM2_P).

Labcorp Genetics (formerly Invitae), Labcorp
Classification: Uncertain significance. Last evaluated: 2024-10-07. Review status: criteria provided, single submitter. Criteria: Invitae Variant Classification Sherloc (09022015). Collection method: clinical testing. Allele origin: germline.
Comment: This sequence change replaces aspartic acid, which is acidic and polar, with glutamic acid, which is acidic and polar, at codon 53 of the NDUFS8 protein (p.Asp53Glu). This variant is present in population databases (no rsID available, gnomAD 0.0009%). This variant has not been reported in the literature in individuals affected with NDUFS8-related conditions. ClinVar contains an entry for this variant (Variation ID: 1897207). An algorithm developed to predict the effect of missense changes on protein structure and function (PolyPhen-2) suggests that this variant is likely to be tolerated. In summary, the available evidence is currently insufficient to determine the role of this variant in disease. Therefore, it has been classified as a Variant of Uncertain Significance.